The following is an entry in ClinVar:

ClinVar aggregate classification (germline): Uncertain significance (1 of 4 stars; one submission).

Conditions:
Perlman syndrome (PRLMNS). Identifiers: Orphanet 2849, MedGen C0796113, MONDO:0009965, OMIM 267000.

Allele frequency attached by ClinVar (database versions not stated): gnomAD exomes 0.00001.
gnomAD v4.1: 10 of 1,614,184 alleles (0.00062%); highest among the groups gnomAD compares: Non-Finnish European, 0.00085%; no homozygotes.

Submission:

Labcorp Genetics (formerly Invitae), Labcorp
Classification: Uncertain significance for Perlman syndrome. Last evaluated: 2020-11-17. Review status: criteria provided, single submitter. Criteria: Invitae Variant Classification Sherloc (09022015). Collection method: clinical testing. Allele origin: germline.
Comment: Algorithms developed to predict the effect of missense changes on protein structure and function are either unavailable or do not agree on the potential impact of this missense change (SIFT: "Tolerated"; PolyPhen-2: "Possibly Damaging"; Align-GVGD: "Class C0"). This sequence change replaces glutamic acid with aspartic acid at codon 334 of the DIS3L2 protein (p.Glu334Asp). The glutamic acid residue is highly conserved and there is a small physicochemical difference between glutamic acid and aspartic acid. This variant is not present in population databases (ExAC no frequency). This variant has not been reported in the literature in individuals with DIS3L2-related conditions. In summary, the available evidence is currently insufficient to determine the role of this variant in disease. Therefore, it has been classified as a Variant of Uncertain Significance.

NM_152383.5(DIS3L2):c.1002A>C (p.Glu334Asp)

Gene: DIS3L2 (DIS3 like 3'-5' exoribonuclease 2; plus strand). Cytogenetic location: 2q37.1.
Variant type: single nucleotide variant.
Coding change: c.1002A>C on transcript NM_152383.5 (MANE Select); coding-DNA position 1002, A replaced by C.
Protein change: p.Glu334Asp; replaces glutamic acid 334 with aspartic acid.
Molecular consequence: missense variant. On other transcripts: non-coding transcript variant (2).
Genome position (GRCh38, 1-based): chr2:232,163,510, A>C. VCF-style: chr2-232163510-A-C. GRCh37 (hg19) VCF-style: chr2-233028220-A-C.
Other names: c.1002A>C, p.Glu334Asp (NM_001257281.2); short protein forms E334D.
Identifiers: ClinVar variation 1467831 (VCV001467831.8), dbSNP rs2106377150, ClinGen allele CA351154266.